The following is an entry in ClinVar:

ClinVar aggregate classification (germline): Likely benign. Review status: criteria provided, single submitter (1 of 4 stars). 2 submissions from 2 submitters: Likely benign (1). 1 of the submissions does not count toward it. Last evaluated 2025-04-20.

Conditions:
COL18A1-related disorder. Also called: COL18A1-related condition; COL18A1-related disorders.

Allele frequency attached by ClinVar (database versions not stated): gnomAD exomes 0.00009 and 0.00019; gnomAD 0.00011; TOPMed 0.00011; ESP Exome Variant Server 0.00016; ExAC 0.00019.

Submissions (2):

Labcorp Genetics (formerly Invitae), Labcorp
Classification: Likely benign. Last evaluated: 2025-04-20. Review status: criteria provided, single submitter. Criteria: Invitae Variant Classification Sherloc (09022015). Collection method: clinical testing. Allele origin: germline.

PreventionGenetics, part of Exact Sciences
Classification: Likely benign for COL18A1-related condition. Last evaluated: 2023-03-28. Review status: no assertion criteria provided. Collection method: clinical testing. Allele origin: germline. Not counted in ClinVar's aggregate classification.
Comment: This variant is classified as likely benign based on ACMG/AMP sequence variant interpretation guidelines (Richards et al. 2015 PMID: 25741868, with internal and published modifications).

NM_001379500.1(COL18A1):c.176C>T (p.Thr59Met)

Gene: COL18A1 (collagen type XVIII alpha 1 chain; plus strand). Cytogenetic location: 21q22.3.
Variant type: single nucleotide variant.
Coding change: c.176C>T on transcript NM_001379500.1 (MANE Select); coding-DNA position 176, C replaced by T.
Protein change: p.Thr59Met; replaces threonine 59 with methionine.
Molecular consequence: missense variant.
Genome position (GRCh38, 1-based): chr21:45,468,311, C>T. VCF-style: chr21-45468311-C-T. GRCh37 (hg19) VCF-style: chr21-46888225-C-T.
Other names: c.716C>T, p.Thr239Met (NM_030582.4); c.1421C>T, p.Thr474Met (NM_130444.3); c.716C>T (NM_030582.3); short protein forms T239M, T474M, T59M.
Identifiers: ClinVar variation 1113116 (VCV001113116.11), dbSNP rs200842530, ClinGen allele CA10065690.